The following is an entry in ClinVar:

NM_006767.4(LZTR1):c.599A>G (p.Asn200Ser)

Gene: LZTR1 (leucine zipper like post translational regulator 1; plus strand). Cytogenetic location: 22q11.21.
Variant type: single nucleotide variant.
Coding change: c.599A>G on transcript NM_006767.4 (MANE Select); coding-DNA position 599, A replaced by G.
Protein change: p.Asn200Ser; replaces asparagine 200 with serine.
Molecular consequence: missense variant.
Genome position (GRCh38, 1-based): chr22:20,989,630, A>G. VCF-style: chr22-20989630-A-G. GRCh37 (hg19) VCF-style: chr22-21343919-A-G.
Other names: short protein forms N200S.
Identifiers: ClinVar variation 4741978 (VCV004741978.1).

ClinVar aggregate classification (germline): Uncertain significance (1 of 4 stars; one submission).

Submission:

Labcorp Genetics (formerly Invitae), Labcorp
Classification: Uncertain significance. Last evaluated: 2025-07-16. Review status: criteria provided, single submitter. Criteria: Invitae Variant Classification Sherloc (09022015). Collection method: clinical testing. Allele origin: germline.
Comment: This sequence change replaces asparagine, which is neutral and polar, with serine, which is neutral and polar, at codon 200 of the LZTR1 protein (p.Asn200Ser). This variant is not present in population databases (gnomAD no frequency). This variant has not been reported in the literature in individuals affected with LZTR1-related conditions. Invitae Evidence Modeling of protein sequence and biophysical properties (such as structural, functional, and spatial information, amino acid conservation, physicochemical variation, residue mobility, and thermodynamic stability) indicates that this missense variant is not expected to disrupt LZTR1 protein function with a negative predictive value of 80%. In summary, the available evidence is currently insufficient to determine the role of this variant in disease. Therefore, it has been classified as a Variant of Uncertain Significance.